The following is an entry in ClinVar:

ClinVar aggregate classification (germline): Pathogenic (1 of 4 stars; one submission).

Conditions:
3-methylcrotonyl-CoA carboxylase 1 deficiency (MCC1D). Also called: MCCD TYPE 1; METHYLCROTONYLGLYCINURIA TYPE I; MCC 1 deficiency; 3 Alpha methylcrotonylglycinuria 1. Identifiers: Orphanet 6, MedGen CN028786, MONDO:0008861, OMIM 210200.

Submission:

Labcorp Genetics (formerly Invitae), Labcorp
Classification: Pathogenic for 3-methylcrotonyl-CoA carboxylase 1 deficiency. Last evaluated: 2023-08-21. Review status: criteria provided, single submitter. Criteria: Invitae Variant Classification Sherloc (09022015). Collection method: clinical testing. Allele origin: germline.
Comment: This variant has not been reported in the literature in individuals affected with MCCC1-related conditions. This variant is a gross deletion of the genomic region encompassing exon(s) 5-7 of the MCCC1 gene. This deletion is out-of-frame, and is expected to create a premature termination codon and result in an absent or disrupted protein product. Loss-of-function variants in MCCC1 are known to be pathogenic (PMID: 11181649, 15359379, 22642865). For these reasons, this variant has been classified as Pathogenic.

Literature cited by the submitters: PubMed 11181649; PubMed 15359379; PubMed 22642865.

NC_000003.12:g.(?_183070989)_(183072497_?)del

Gene: MCCC1 (methylcrotonyl-CoA carboxylase subunit 1; minus strand). Cytogenetic location: 3q27.1.
Variant type: Deletion.
Identifiers: ClinVar variation 831678 (VCV000831678.5).